The following is an entry in ClinVar:

NM_014927.5(CNKSR2):c.896G>A (p.Ser299Asn)

Gene: CNKSR2 (connector enhancer of kinase suppressor of Ras 2; plus strand). Cytogenetic location: Xp22.12.
Variant type: single nucleotide variant.
Coding change: c.896G>A on transcript NM_014927.5 (MANE Select); coding-DNA position 896, G replaced by A.
Protein change: p.Ser299Asn; replaces serine 299 with asparagine.
Molecular consequence: missense variant. On other transcripts: intron variant (4).
Genome position (GRCh38, 1-based): chrX:21,516,570, G>A. VCF-style: chrX-21516570-G-A. GRCh37 (hg19) VCF-style: chrX-21534688-G-A.
Other names: c.896G>A, p.Ser299Asn (NM_001168647.3, NM_001168648.3, NM_001330773.2); c.811-10297G>A (NM_001330770.2, NM_001330772.2, NM_001168649.3 and 1 more transcripts); short protein forms S299N.
Identifiers: ClinVar variation 657351 (VCV000657351.10), dbSNP rs201553334, ClinGen allele CA10366541.

ClinVar aggregate classification (germline): Uncertain significance. Review status: criteria provided, multiple submitters, no conflicts (2 of 4 stars). 2 submissions from 2 submitters: Uncertain significance (2). Last evaluated 2024-12-02.

Allele frequency attached by ClinVar (database versions not stated): TOPMed below 0.00001; ExAC 0.00001; gnomAD 0.00001; gnomAD exomes 0.00001; ESP Exome Variant Server 0.00009.

Submissions (2):

Labcorp Genetics (formerly Invitae), Labcorp
Classification: Uncertain significance. Last evaluated: 2024-12-02. Review status: criteria provided, single submitter. Criteria: Invitae Variant Classification Sherloc (09022015). Collection method: clinical testing. Allele origin: germline.
Comment: This sequence change replaces serine, which is neutral and polar, with asparagine, which is neutral and polar, at codon 299 of the CNKSR2 protein (p.Ser299Asn). The frequency data for this variant in the population databases is considered unreliable, as metrics indicate poor data quality at this position in the gnomAD database. This variant has not been reported in the literature in individuals affected with CNKSR2-related conditions. ClinVar contains an entry for this variant (Variation ID: 657351). An algorithm developed to predict the effect of missense changes on protein structure and function (PolyPhen-2) suggests that this variant is likely to be tolerated. In summary, the available evidence is currently insufficient to determine the role of this variant in disease. Therefore, it has been classified as a Variant of Uncertain Significance.

Genetic Services Laboratory, University of Chicago
Classification: Uncertain significance. Last evaluated: 2019-08-05. Review status: criteria provided, single submitter. Criteria: ACMG Guidelines, 2015. Collection method: clinical testing. Allele origin: germline. Affected: no.